The following is an entry in ClinVar:

ClinVar aggregate classification (germline): Likely benign. Review status: criteria provided, multiple submitters, no conflicts (2 of 4 stars). 3 submissions from 3 submitters: Likely benign (3). Last evaluated 2026-09-21.

Conditions:
Loeys-Dietz syndrome 2 (LDS2). Also called: MARFAN SYNDROME, TYPE II; TGFBR2-Related Loeys-Dietz Syndrome; Marfan Syndrome type 2; Marfan like connective tissue disorder; MFS 2; AORTIC ANEURYSM, FAMILIAL THORACIC 3. Identifiers: Orphanet 284973, Orphanet 558, MedGen C2674574, MONDO:0012427, OMIM 610168.
Familial thoracic aortic aneurysm and aortic dissection (TAAD). Also called: Thoracic aortic aneurysms and dissections. Identifiers: Orphanet 91387, MedGen C4707243, MONDO:0019625.

gnomAD v4.1: 11 of 1,614,224 alleles (0.00068%); highest among the groups gnomAD compares: South Asian, 0.0088%; no homozygotes.

Submissions (3):

Molecular Diagnostic Laboratory for Inherited Cardiovascular Disease, Montreal Heart Institute
Classification: Likely benign. Last evaluated: 2026-09-21. Review status: criteria provided, single submitter. Criteria: ACMG Guidelines, 2015. Collection method: clinical testing. Allele origin: germline. Affected: no.
Comment: BS1;BP7

Labcorp Genetics (formerly Invitae), Labcorp
Classification: Likely benign for Familial thoracic aortic aneurysm and aortic dissection. Last evaluated: 2025-01-13. Review status: criteria provided, single submitter. Criteria: Invitae Variant Classification Sherloc (09022015). Collection method: clinical testing. Allele origin: germline.

All of Us Research Program, National Institutes of Health
Classification: Likely benign for Loeys-Dietz syndrome 2. Last evaluated: 2023-08-15. Review status: criteria provided, single submitter. Criteria: ACMG Guidelines, 2015. Collection method: clinical testing. Allele origin: germline. Inheritance: Autosomal dominant inheritance. Observed: 1 variant allele, 1 heterozygote.
Comment: This study involves interpretation of variants in research participants for the purpose of population health screening. Participant phenotype was not available at the time of variant classification. Additional details can be found in publication PMID: 35346344, PMCID: PMC8962531

NM_003242.6(TGFBR2):c.915C>G (p.Leu305=)

Gene: TGFBR2 (transforming growth factor beta receptor 2; plus strand). Cytogenetic location: 3p24.1.
Variant type: single nucleotide variant.
Coding change: c.915C>G on transcript NM_003242.6 (MANE Select); coding-DNA position 915, C replaced by G.
Protein change: p.Leu305=; no amino-acid change (leucine 305 retained).
Molecular consequence: synonymous variant. On other transcripts: intron variant (1).
Genome position (GRCh38, 1-based): chr3:30,672,098, C>G. VCF-style: chr3-30672098-C-G. GRCh37 (hg19) VCF-style: chr3-30713590-C-G.
Other names: c.990C>G, p.Leu330= (NM_001024847.3); c.1098C>G, p.Leu366= (NM_001407126.1); c.1023C>G, p.Leu341= (NM_001407127.1); c.942C>G, p.Leu314= (NM_001407128.1); c.918C>G, p.Leu306= (NM_001407129.1); c.915C>G, p.Leu305= (NM_001407130.1); c.810C>G, p.Leu270= (NM_001407132.1, NM_001407133.1, NM_001407134.1 and 2 more transcripts); c.630C>G, p.Leu210= (NM_001407137.1); and 3 more.
Identifiers: ClinVar variation 1438545 (VCV001438545.11), dbSNP rs146030104, ClinGen allele CA050138.